The following is an entry in ClinVar:

ClinVar aggregate classification (germline): Uncertain significance (1 of 4 stars; one submission).

Conditions:
Distal myopathy with posterior leg and anterior hand involvement. Also called: WILLIAMS DISTAL MYOPATHY. Identifiers: Orphanet 63273, MedGen C3279722, MONDO:0013550, OMIM 614065.
Hypertrophic cardiomyopathy 26. Also called: Cardiomyopathy, familial hypertrophic, 26. Identifiers: Orphanet 75249, MedGen C4310749, MONDO:0014883, OMIM 617047.
Myofibrillar myopathy 5. Also called: Filaminopathy (type); FILAMINOPATHY, AUTOSOMAL DOMINANT. Identifiers: Orphanet 171445, MedGen C1836050, MONDO:0012289, OMIM 609524.

Submission:

Labcorp Genetics (formerly Invitae), Labcorp
Classification: Uncertain significance for Distal myopathy with posterior leg and anterior hand involvement; Myofibrillar myopathy 5; Hypertrophic cardiomyopathy 26. Last evaluated: 2024-05-19. Review status: criteria provided, single submitter. Criteria: Invitae Variant Classification Sherloc (09022015). Collection method: clinical testing. Allele origin: germline.
Comment: This sequence change replaces valine, which is neutral and non-polar, with leucine, which is neutral and non-polar, at codon 2276 of the FLNC protein (p.Val2276Leu). This variant is not present in population databases (gnomAD no frequency). This variant has not been reported in the literature in individuals affected with FLNC-related conditions. Advanced modeling of protein sequence and biophysical properties (such as structural, functional, and spatial information, amino acid conservation, physicochemical variation, residue mobility, and thermodynamic stability) performed at Invitae indicates that this missense variant is not expected to disrupt FLNC protein function with a negative predictive value of 95%. In summary, the available evidence is currently insufficient to determine the role of this variant in disease. Therefore, it has been classified as a Variant of Uncertain Significance.

NM_001458.5(FLNC):c.6826G>T (p.Val2276Leu)

Genes: FLNC (filamin C; plus strand), FLNC-AS1 (FLNC antisense RNA 1; minus strand). Cytogenetic location: 7q32.1.
Variant type: single nucleotide variant.
Coding change: c.6826G>T on transcript NM_001458.5 (MANE Select); coding-DNA position 6826, G replaced by T.
Protein change: p.Val2276Leu; replaces valine 2276 with leucine.
Molecular consequence: missense variant.
Genome position (GRCh38, 1-based): chr7:128,854,511, G>T. VCF-style: chr7-128854511-G-T. GRCh37 (hg19) VCF-style: chr7-128494565-G-T.
Other names: c.6727G>T, p.Val2243Leu (NM_001127487.2); short protein forms V2243L, V2276L.
Identifiers: ClinVar variation 3750307 (VCV003750307.2).